The following is an entry in ClinVar:

NM_000179.3(MSH6):c.1347_1372dup (p.His458delinsArgTyrSerTer)

Gene: MSH6 (mutS homolog 6; plus strand). Cytogenetic location: 2p16.3.
Variant type: Duplication.
Coding change: c.1347_1372dup on transcript NM_000179.3 (MANE Select); coding-DNA positions 1347 to 1372, 26 bases duplicated (GGTATTCATGAAAGGCAACTGGGCCC).
Protein change: p.His458delinsArgTyrSerTer.
Molecular consequence: nonsense. On other transcripts: frameshift variant (36).
Genome position (GRCh38, 1-based): chr2:47,799,330-47,799,355, GGTATTCATGAAAGGCAACTGGGCCC duplicated. VCF-style (leftmost placement, unchanged base first): chr2-47799329-T-TGGTATTCATGAAAGGCAACTGGGCCC. GRCh37 (hg19) VCF-style: chr2-48026468-T-TGGTATTCATGAAAGGCAACTGGGCCC.
Other names: c.957_982dup, p.His328delinsArgTyrSerTer (NM_001281492.2); c.441_466dup, p.His156delinsArgTyrSerTer (NM_001281493.2, NM_001281494.2); c.1443_1468dup, p.His490Argfs (NM_001406795.1, NM_001406802.1); c.1347_1372dup, p.His458Argfs (NM_001406796.1, NM_001406798.1, NM_001406800.1 and 4 more transcripts); c.1050_1075dup, p.His359Argfs (NM_001406797.1, NM_001406801.1, NM_001406805.1 and 10 more transcripts); c.822_847dup, p.His283Argfs (NM_001406799.1, NM_001406806.1, NM_001406807.1); c.1269_1294dup, p.His432Argfs (NM_001406804.1); c.441_466dup, p.His156Argfs (NM_001406811.1, NM_001406812.1, NM_001406814.1 and 4 more transcripts); and 3 more.
Identifiers: ClinVar variation 1770487 (VCV001770487.8), dbSNP rs2530604268, ClinGen allele CA2580067573.

ClinVar aggregate classification (germline): Pathogenic. Review status: criteria provided, multiple submitters, no conflicts (2 of 4 stars). 3 submissions from 3 submitters: Pathogenic (3). Last evaluated 2024-09-18.

Conditions:
Hereditary cancer-predisposing syndrome. Also called: Hereditary Cancer Syndrome; Hereditary neoplastic syndrome; Neoplastic Syndromes, Hereditary; Tumor predisposition. Identifiers: Orphanet 140162, MedGen C0027672, MeSH D009386, MONDO:0015356.
Hereditary nonpolyposis colorectal neoplasms. Identifiers: MedGen C0009405, MeSH D003123.
Lynch syndrome 5 (LYNCH5). Also called: Hereditary non-polyposis colorectal cancer, type 5; Colorectal cancer, hereditary nonpolyposis, type 5. Identifiers: Orphanet 144, MedGen C1833477, MONDO:0013710, OMIM 614350. Disease mechanism: loss of function.

Submissions (3):

Labcorp Genetics (formerly Invitae), Labcorp
Classification: Pathogenic for Hereditary nonpolyposis colorectal neoplasms. Last evaluated: 2024-09-18. Review status: criteria provided, single submitter. Criteria: Invitae Variant Classification Sherloc (09022015). Collection method: clinical testing. Allele origin: germline.
Comment: This sequence change creates a premature translational stop signal (p.His458Argfs*4) in the MSH6 gene. It is expected to result in an absent or disrupted protein product. Loss-of-function variants in MSH6 are known to be pathogenic (PMID: 18269114, 24362816). This variant is not present in population databases (gnomAD no frequency). This variant has not been reported in the literature in individuals affected with MSH6-related conditions. ClinVar contains an entry for this variant (Variation ID: 1770487). For these reasons, this variant has been classified as Pathogenic.

Myriad Genetics, Inc.
Classification: Pathogenic for Lynch syndrome 5. Last evaluated: 2023-08-14. Review status: criteria provided, single submitter. Criteria: Myriad Autosomal Dominant, Autosomal Recessive and X-Linked Classification Criteria (2023). Collection method: clinical testing. Allele origin: unknown.
Comment: This variant is considered pathogenic. This variant creates a frameshift predicted to result in premature protein truncation.

Ambry Genetics
Classification: Pathogenic for Hereditary cancer-predisposing syndrome. Last evaluated: 2022-07-12. Review status: criteria provided, single submitter. Criteria: Ambry Variant Classification Scheme 2023. Collection method: clinical testing. Allele origin: germline.
Comment: The c.1347_1372dup26 variant, located in coding exon 4 of the MSH6 gene, results from a duplication of GGTATTCATGAAAGGCAACTGGGCCC at nucleotide position 1347, causing a translational frameshift with a predicted alternate stop codon (p.H458Rfs*4). This variant is considered to be rare based on population cohorts in the Genome Aggregation Database (gnomAD). This alteration is expected to result in loss of function by premature protein truncation or nonsense-mediated mRNA decay. As such, this alteration is interpreted as a disease-causing mutation.

Literature cited by the submitters: PubMed 18269114 (cited by Labcorp Genetics (formerly Invitae), Labcorp); PubMed 24362816 (cited by Labcorp Genetics (formerly Invitae), Labcorp).